The following is an entry in ClinVar:

ClinVar aggregate classification (germline): Uncertain significance. Review status: criteria provided, multiple submitters, no conflicts (2 of 4 stars). 2 submissions from 2 submitters: Uncertain significance (2). Last evaluated 2026-04-14.

Conditions:
Inborn genetic diseases. Identifiers: MedGen C0950123, MeSH D030342.

Allele frequency attached by ClinVar (database versions not stated): TOPMed 0.00001.

Submissions (2):

GeneDx
Classification: Uncertain significance. Last evaluated: 2026-04-14. Review status: criteria provided, single submitter. Criteria: GeneDx Variant Classification Process June 2021. Collection method: clinical testing. Allele origin: germline.
Comment: Not observed at significant frequency in large population cohorts (gnomAD); In silico analysis suggests that this missense variant does not alter protein structure/function; Has not been previously published as pathogenic or benign to our knowledge

Ambry Genetics
Classification: Uncertain significance for Inborn genetic diseases. Last evaluated: 2025-05-05. Review status: criteria provided, single submitter. Criteria: Ambry Variant Classification Scheme 2023. Collection method: clinical testing. Allele origin: germline.

NM_018684.4(ZC4H2):c.532A>G (p.Thr178Ala)

Gene: ZC4H2 (zinc finger C4H2-type containing; minus strand). Cytogenetic location: Xq11.2.
Variant type: single nucleotide variant.
Coding change: c.532A>G on transcript NM_018684.4 (MANE Select); coding-DNA position 532, A replaced by G.
Protein change: p.Thr178Ala; replaces threonine 178 with alanine.
Molecular consequence: missense variant. On other transcripts: non-coding transcript variant (1), intron variant (1).
Genome position (GRCh38, 1-based): chrX:64,919,071, T>C on the plus strand (A>G on the coding strand, the complement: ZC4H2 is on the minus strand). VCF-style: chrX-64919071-T-C. GRCh37 (hg19) VCF-style: chrX-64138951-T-C.
Other names: c.463A>G, p.Thr155Ala (NM_001178032.3, NM_001243804.2); c.398+1010A>G (NM_001178033.3); short protein forms T155A, T178A.
Identifiers: ClinVar variation 1800773 (VCV001800773.3), dbSNP rs1929058159, ClinGen allele CA413411381.